The following is an entry in ClinVar:

NM_001849.4(COL6A2):c.2784C>T (p.Ile928=)

Gene: COL6A2 (collagen type VI alpha 2 chain; plus strand). Cytogenetic location: 21q22.3.
Variant type: single nucleotide variant.
Coding change: c.2784C>T on transcript NM_001849.4 (MANE Select); coding-DNA position 2784, C replaced by T.
Protein change: p.Ile928=; no amino-acid change (isoleucine 928 retained).
Molecular consequence: synonymous variant.
Genome position (GRCh38, 1-based): chr21:46,132,276, C>T. VCF-style: chr21-46132276-C-T. GRCh37 (hg19) VCF-style: chr21-47552190-C-T.
Identifiers: ClinVar variation 288639 (VCV000288639.19), dbSNP rs199501232, ClinGen allele CA10073021.

ClinVar aggregate classification (germline): Conflicting classifications of pathogenicity. Review status: criteria provided, conflicting classifications (1 of 4 stars). 5 submissions from 5 submitters: Uncertain significance (1); Likely benign (4). Last evaluated 2026-05-01.

Conditions:
COL6A2-related disorder.
Bethlem myopathy 1A. Also called: MYOPATHY, BENIGN CONGENITAL, WITH CONTRACTURES; Bethlem myopathy 1; Bethlem Muscular Dystrophy. Identifiers: Orphanet 610, MedGen CN029274, MONDO:0024530, OMIM 158810.

Allele frequency attached by ClinVar (database versions not stated): gnomAD 0.00009; gnomAD exomes 0.00009 and 0.00013; TOPMed 0.00009; ESP Exome Variant Server 0.00015; ExAC 0.00016.
gnomAD v4.1: 140 of 1,606,480 alleles (0.0087%); highest among the groups gnomAD compares: Admixed American, 0.02%; no homozygotes.

Submissions (5):

Women's Health and Genetics/Laboratory Corporation of America, LabCorp
Classification: Likely benign. Last evaluated: 2026-05-01. Review status: criteria provided, single submitter. Criteria: LabCorp Variant Classification Summary - May 2015. Collection method: clinical testing. Allele origin: germline.

PreventionGenetics, part of Exact Sciences
Classification: Likely benign for COL6A2-related condition. Last evaluated: 2026-03-26. Review status: criteria provided, single submitter. Criteria: ACMG Guidelines, 2015. Collection method: clinical testing. Allele origin: germline.
Comment: This variant is classified as likely benign based on ACMG/AMP sequence variant interpretation guidelines (Richards et al. 2015 PMID: 25741868, with internal and published modifications).

Labcorp Genetics (formerly Invitae), Labcorp
Classification: Likely benign for Bethlem myopathy 1A. Last evaluated: 2025-12-20. Review status: criteria provided, single submitter. Criteria: Invitae Variant Classification Sherloc (09022015). Collection method: clinical testing. Allele origin: germline.

GeneDx
Classification: Likely benign. Last evaluated: 2018-10-22. Review status: criteria provided, single submitter. Criteria: GeneDx Variant Classification Process June 2021. Collection method: clinical testing. Allele origin: germline. Affected: yes.

Eurofins Ntd Llc (ga)
Classification: Uncertain significance. Last evaluated: 2017-11-28. Review status: criteria provided, single submitter. Criteria: EGL Classification Definitions 2015. Collection method: clinical testing. Allele origin: germline. Observed: 3 variant alleles, 3 heterozygotes.